The following is an entry in ClinVar:

ClinVar aggregate classification (germline): Uncertain significance (1 of 4 stars; one submission).

Conditions:
Infantile hypotonia-oculomotor anomalies-hyperkinetic movements-developmental delay syndrome. Also called: BAKER-GORDON SYNDROME; NEURODEVELOPMENTAL DISORDER WITH INVOLUNTARY MOVEMENT AND ABNORMAL ELECTROENCEPHALOGRAM. Identifiers: Orphanet 522077, MedGen C4748715, MONDO:0033864, OMIM 618218.

Submission:

Neuberg Centre For Genomic Medicine, NCGM
Classification: Uncertain significance for Infantile hypotonia-oculomotor anomalies-hyperkinetic movements-developmental delay syndrome. Last evaluated: 2023-06-22. Review status: criteria provided, single submitter. Criteria: ACMG Guidelines, 2015. Collection method: clinical testing. Allele origin: germline. Inheritance: Autosomal dominant inheritance. Affected: yes.
Comment: The observed missense c.239G>C(p.Cys80Ser) variant in SYT1 gene has not been reported previously as a pathogenic variant nor as a benign variant, to our knowledge. This variant is absent in gnomAD Exomes. The amino acid Cys at position 80 is changed to a Ser changing protein sequence and it might alter its composition and physico-chemical properties. The amino acid change p.Cys80Ser in SYT1 is predicted as conserved by GERP++ and PhyloP across 100 vertebrates. Multiple lines of computational evidence (Polyphen - Possibly Damaging, SIFT - Damaging, and MutationTaster - Disease causing) predict a damaging effect on protein structure and function for this variant. For these reasons, this variant has been classified as Uncertain Significance.

NM_005639.3(SYT1):c.239G>C (p.Cys80Ser)

Gene: SYT1 (synaptotagmin 1; plus strand). Cytogenetic location: 12q21.2.
Variant type: single nucleotide variant.
Coding change: c.239G>C on transcript NM_005639.3 (MANE Select); coding-DNA position 239, G replaced by C.
Protein change: p.Cys80Ser; replaces cysteine 80 with serine.
Molecular consequence: missense variant.
Genome position (GRCh38, 1-based): chr12:79,285,859, G>C. VCF-style: chr12-79285859-G-C. GRCh37 (hg19) VCF-style: chr12-79679639-G-C.
Other names: c.239G>C, p.Cys80Ser (NM_001135805.2, NM_001135806.2, NM_001291901.2 and 6 more transcripts); short protein forms C80S.
Identifiers: ClinVar variation 3731325 (VCV003731325.1).
Genomic context (GRCh38, chr12:79,285,859, plus strand): 5'-CCTTAATTGCAATAGCCATAGTCGCAGTCCTTTTAGTCCTGACCTGCTGCTTTTGTATCT[G>C]TAAGAAATGTTTGTTCAAAAAGAAAAACAAGAAGAAGGGAAAGGAAAAAGGAGGGAAGAA-3'
Protein context (NP_005630.1, residues 70-90): LLVLTCCFCI[Cys80Ser]KKCLFKKKNK